The following is an entry in ClinVar:

NM_018052.5(VAC14):c.379G>A (p.Ala127Thr)

Gene: VAC14 (VAC14 component of PIKFYVE complex; minus strand). Cytogenetic location: 16q22.1.
Variant type: single nucleotide variant.
Coding change: c.379G>A on transcript NM_018052.5 (MANE Select); coding-DNA position 379, G replaced by A.
Protein change: p.Ala127Thr; replaces alanine 127 with threonine.
Molecular consequence: missense variant. On other transcripts: 5 prime UTR variant (1).
Genome position (GRCh38, 1-based): chr16:70,785,746, C>T on the plus strand (G>A on the coding strand, the complement: VAC14 is on the minus strand). VCF-style: chr16-70785746-C-T. GRCh37 (hg19) VCF-style: chr16-70819649-C-T.
Other names: c.-324G>A (NM_001351157.2); short protein forms A127T.
Identifiers: ClinVar variation 1920079 (VCV001920079.2), dbSNP rs368667926, ClinGen allele CA8148114.

ClinVar aggregate classification (germline): Uncertain significance (1 of 4 stars; one submission).

Allele frequency attached by ClinVar (database versions not stated): gnomAD 0.00003; TOPMed 0.00004.
gnomAD v4.1: 49 of 1,570,936 alleles (0.0031%); highest among the groups gnomAD compares: African/African-American, 0.0054%; no homozygotes.

Submission:

Labcorp Genetics (formerly Invitae), Labcorp
Classification: Uncertain significance. Last evaluated: 2022-05-29. Review status: criteria provided, single submitter. Criteria: Invitae Variant Classification Sherloc (09022015). Collection method: clinical testing. Allele origin: germline.
Comment: This sequence change replaces alanine, which is neutral and non-polar, with threonine, which is neutral and polar, at codon 127 of the VAC14 protein (p.Ala127Thr). The frequency data for this variant in the population databases is considered unreliable, as metrics indicate poor data quality at this position in the gnomAD database. This variant has not been reported in the literature in individuals affected with VAC14-related conditions. Algorithms developed to predict the effect of missense changes on protein structure and function are either unavailable or do not agree on the potential impact of this missense change (SIFT: "Tolerated"; PolyPhen-2: "Possibly Damaging"; Align-GVGD: "Class C0"). In summary, the available evidence is currently insufficient to determine the role of this variant in disease. Therefore, it has been classified as a Variant of Uncertain Significance.